The following is an entry in ClinVar:

ClinVar aggregate classification (germline): Uncertain significance (1 of 4 stars; one submission).

Conditions:
Amelocerebrohypohidrotic syndrome (KTZS). Also called: Kohlschutter's syndrome; EPILEPSY AND YELLOW TEETH; EPILEPSY, DEMENTIA, AND AMELOGENESIS IMPERFECTA; KOHLSCHUTTER SYNDROME. Identifiers: Orphanet 1946, MedGen C0406740, MONDO:0009185, OMIM 226750.

Allele frequency attached by ClinVar (database versions not stated): gnomAD exomes below 0.00001.
gnomAD v4.1: 4 of 1,614,032 alleles (0.00025%); highest among the groups gnomAD compares: Non-Finnish European, 0.00034%; no homozygotes.

Submission:

Labcorp Genetics (formerly Invitae), Labcorp
Classification: Uncertain significance for Amelocerebrohypohidrotic syndrome. Last evaluated: 2021-12-15. Review status: criteria provided, single submitter. Criteria: Invitae Variant Classification Sherloc (09022015). Collection method: clinical testing. Allele origin: germline.
Comment: This sequence change replaces threonine, which is neutral and polar, with methionine, which is neutral and non-polar, at codon 202 of the ROGDI protein (p.Thr202Met). This variant is not present in population databases (gnomAD no frequency). This variant has not been reported in the literature in individuals affected with ROGDI-related conditions. Algorithms developed to predict the effect of missense changes on protein structure and function (SIFT, PolyPhen-2, Align-GVGD) all suggest that this variant is likely to be tolerated. In summary, the available evidence is currently insufficient to determine the role of this variant in disease. Therefore, it has been classified as a Variant of Uncertain Significance.

NM_024589.3(ROGDI):c.605C>T (p.Thr202Met)

Gene: ROGDI (rogdi atypical leucine zipper; minus strand). Cytogenetic location: 16p13.3.
Variant type: single nucleotide variant.
Coding change: c.605C>T on transcript NM_024589.3 (MANE Select); coding-DNA position 605, C replaced by T.
Protein change: p.Thr202Met; replaces threonine 202 with methionine.
Molecular consequence: missense variant. On other transcripts: non-coding transcript variant (1).
Genome position (GRCh38, 1-based): chr16:4,798,111, G>A on the plus strand (C>T on the coding strand, the complement: ROGDI is on the minus strand). VCF-style: chr16-4798111-G-A. GRCh37 (hg19) VCF-style: chr16-4848112-G-A.
Other names: short protein forms T202M.
Identifiers: ClinVar variation 1473739 (VCV001473739.3), dbSNP rs2082676560, ClinGen allele CA394650185.